The following is an entry in ClinVar:

NM_003680.4(YARS1):c.1374G>A (p.Pro458=)

Gene: YARS1 (tyrosyl-tRNA synthetase 1; minus strand). Cytogenetic location: 1p35.1.
Variant type: single nucleotide variant.
Coding change: c.1374G>A on transcript NM_003680.4 (MANE Select); coding-DNA position 1374, G replaced by A.
Protein change: p.Pro458=; no amino-acid change (proline 458 retained).
Molecular consequence: synonymous variant.
Genome position (GRCh38, 1-based): chr1:32,779,484, C>T on the plus strand (G>A on the coding strand, the complement: YARS1 is on the minus strand). VCF-style: chr1-32779484-C-T. GRCh37 (hg19) VCF-style: chr1-33245085-C-T.
Other names: p.Pro458=.
Identifiers: ClinVar variation 297149 (VCV000297149.54), dbSNP rs151227410, ClinGen allele CA744903.
Genomic context (GRCh38, chr1:32,779,484, plus strand): 5'-ATCTGGTTGGCCCTTTTCATAGCCCTTCACAAACACGTGCTCACCAGGAGCAGAGCCTGC[C>T]GGAGGGTCCAGAGGTTCAACCTGGCGGTTTATCCCTTCTCTGGGAAGACACAGGACAAGA-3'
Protein context (NP_003671.1, residues 448-468): INRQVEPLDP[Pro458=]AGSAPGEHVF

ClinVar aggregate classification (germline): Benign/Likely benign. Review status: criteria provided, multiple submitters, no conflicts (2 of 4 stars). 9 submissions from 9 submitters: Benign (3); Likely benign (5). 1 of the submissions does not count toward it. Last evaluated 2026-01-18.

Conditions:
YARS1-related disorder. Also called: YARS1-related condition.
Inborn genetic diseases. Identifiers: MedGen C0950123, MeSH D030342.
Charcot-Marie-Tooth disease dominant intermediate C (CMTDIC). Also called: CHARCOT-MARIE-TOOTH NEUROPATHY, DOMINANT INTERMEDIATE C. Identifiers: Orphanet 100045, MedGen C1842237, MONDO:0012012, OMIM 608323.

Allele frequency attached by ClinVar (database versions not stated): gnomAD exomes 0.00037 and 0.00095; ExAC 0.00083; ESP Exome Variant Server 0.00108; gnomAD 0.00115 and 0.00123; TOPMed 0.00145; 1000 Genomes Project 30x 0.00156; 1000 Genomes Project 0.00160.
gnomAD v4.1: 752 of 1,614,200 alleles (0.047%); highest among the groups gnomAD compares: Admixed American, 0.37%; 3 homozygotes.

Submissions (9):

Labcorp Genetics (formerly Invitae), Labcorp
Classification: Benign for Charcot-Marie-Tooth disease dominant intermediate C. Last evaluated: 2026-01-18. Review status: criteria provided, single submitter. Criteria: Invitae Variant Classification Sherloc (09022015). Collection method: clinical testing. Allele origin: germline.

CeGaT Center for Human Genetics Tuebingen
Classification: Likely benign. Last evaluated: 2026-01-01. Review status: criteria provided, single submitter. Criteria: CeGaT Center For Human Genetics Tuebingen Variant Classification Criteria Version 2. Collection method: clinical testing. Allele origin: germline. Affected: yes. Observed: 4 variant alleles.
Comment: YARS1: BP4, BP7

Women's Health and Genetics/Laboratory Corporation of America, LabCorp
Classification: Likely benign. Last evaluated: 2025-12-01. Review status: criteria provided, single submitter. Criteria: LabCorp Variant Classification Summary - May 2015. Collection method: clinical testing. Allele origin: germline.
Comment: Variant summary: YARS1 c.1374G>A alters a conserved nucleotide resulting in a synonymous change. Consensus agreement among computation tools predict no significant impact on normal splicing. However, these predictions have yet to be confirmed by functional studies. The variant allele was found at a frequency of 0.00095 in 282816 control chromosomes in the gnomAD database, including 2 homozygotes. This frequency is not significantly higher than estimated for disease-causing variants in YARS1, allowing no conclusion about variant significance. To our knowledge, no occurrence of c.1374G>A in individuals affected with YARS1-related conditions and no experimental evidence demonstrating its impact on protein function have been reported. ClinVar contains an entry for this variant (Variation ID: 297149). Based on the evidence outlined above, the variant was classified as likely benign.

ARUP Laboratories, Molecular Genetics and Genomics, ARUP Laboratories
Classification: Likely benign. Last evaluated: 2025-02-03. Review status: criteria provided, single submitter. Criteria: ARUP Molecular Germline Variant Investigation Process 2024. Collection method: clinical testing. Allele origin: germline.

GeneDx
Classification: Likely benign. Last evaluated: 2020-10-22. Review status: criteria provided, single submitter. Criteria: GeneDx Variant Classification Process June 2021. Collection method: clinical testing. Allele origin: germline. Affected: yes.

Ambry Genetics
Classification: Likely benign for Inborn genetic diseases. Last evaluated: 2019-07-11. Review status: criteria provided, single submitter. Criteria: Ambry Variant Classification Scheme 2023. Collection method: clinical testing. Allele origin: germline.

Mayo Clinic Laboratories, Mayo Clinic
Classification: Benign. Last evaluated: 2018-02-12. Review status: criteria provided, single submitter. Criteria: ACMG Guidelines, 2015. Collection method: clinical testing. Allele origin: germline. Observed: 2 variant alleles.

Illumina Laboratory Services, Illumina
Classification: Benign for Charcot-Marie-Tooth disease dominant intermediate C. Last evaluated: 2018-01-13. Review status: criteria provided, single submitter. Criteria: ICSL Variant Classification Criteria 13 December 2019. Collection method: clinical testing. Allele origin: germline.
Comment: This variant was observed in the ICSL laboratory as part of a predisposition screen in an ostensibly healthy population. It had not been previously curated by ICSL or reported in the Human Gene Mutation Database (HGMD: prior to June 1st, 2018), and was therefore a candidate for classification through an automated scoring system. Utilizing variant allele frequency, disease prevalence and penetrance estimates, and inheritance mode, an automated score was calculated to assess if this variant is too frequent to cause the disease. Based on the score and internal cut-off values, a variant classified as benign is not then subjected to further curation. The score for this variant resulted in a classification of benign for this disease.

PreventionGenetics, part of Exact Sciences
Classification: Benign for YARS1-related condition. Last evaluated: 2020-03-30. Review status: no assertion criteria provided. Collection method: clinical testing. Allele origin: germline. Not counted in ClinVar's aggregate classification.
Comment: This variant is classified as benign based on ACMG/AMP sequence variant interpretation guidelines (Richards et al. 2015 PMID: 25741868, with internal and published modifications).